The following is an entry in ClinVar:

ClinVar aggregate classification (germline): Likely benign. Review status: criteria provided, single submitter (1 of 4 stars). 2 submissions from 2 submitters: Likely benign (1). 1 of the submissions does not count toward it. Last evaluated 2023-07-30.

Conditions:
CANT1-related disorder. Also called: CANT1-related condition.

Allele frequency attached by ClinVar (database versions not stated): ExAC 0.00001.
gnomAD v4.1: 8 of 1,614,210 alleles (0.0005%); highest among the groups gnomAD compares: East Asian, 0.0045%; no homozygotes.

Submissions (2):

Labcorp Genetics (formerly Invitae), Labcorp
Classification: Likely benign. Last evaluated: 2023-07-30. Review status: criteria provided, single submitter. Criteria: Invitae Variant Classification Sherloc (09022015). Collection method: clinical testing. Allele origin: germline.

PreventionGenetics, part of Exact Sciences
Classification: Likely benign for CANT1-related condition. Last evaluated: 2020-01-13. Review status: no assertion criteria provided. Collection method: clinical testing. Allele origin: germline. Not counted in ClinVar's aggregate classification.
Comment: This variant is classified as likely benign based on ACMG/AMP sequence variant interpretation guidelines (Richards et al. 2015 PMID: 25741868, with internal and published modifications).

NM_001159773.2(CANT1):c.1185C>T (p.Tyr395=)

Gene: CANT1 (calcium activated nucleotidase 1; minus strand). Cytogenetic location: 17q25.3.
Variant type: single nucleotide variant.
Coding change: c.1185C>T on transcript NM_001159773.2 (MANE Select); coding-DNA position 1185, C replaced by T.
Protein change: p.Tyr395=; no amino-acid change (tyrosine 395 retained).
Molecular consequence: synonymous variant.
Genome position (GRCh38, 1-based): chr17:78,993,571, G>A on the plus strand (C>T on the coding strand, the complement: CANT1 is on the minus strand). VCF-style: chr17-78993571-G-A. GRCh37 (hg19) VCF-style: chr17-76989653-G-A.
Other names: c.1185C>T, p.Tyr395= (NM_001159772.2, NM_138793.4); c.1185C>T (NM_138793.3).
Identifiers: ClinVar variation 3001313 (VCV003001313.5), dbSNP rs778071923, ClinGen allele CA8808490.